The following is an entry in ClinVar:

NM_020631.6(PLEKHG5):c.2569C>A (p.Arg857Ser)

Gene: PLEKHG5 (pleckstrin homology and RhoGEF domain containing G5; minus strand). Cytogenetic location: 1p36.31.
Variant type: single nucleotide variant.
Coding change: c.2569C>A on transcript NM_020631.6 (MANE Select); coding-DNA position 2569, C replaced by A.
Protein change: p.Arg857Ser; replaces arginine 857 with serine.
Molecular consequence: missense variant.
Genome position (GRCh38, 1-based): chr1:6,468,267, G>T on the plus strand (C>A on the coding strand, the complement: PLEKHG5 is on the minus strand). VCF-style: chr1-6468267-G-T. GRCh37 (hg19) VCF-style: chr1-6528327-G-T.
Other names: c.2680C>A, p.Arg894Ser (NM_001042663.3, NM_001265592.2); c.2569C>A, p.Arg857Ser (NM_001042664.2, NM_001042665.2, NM_001265594.3 and 1 more transcripts); c.2776C>A, p.Arg926Ser (NM_001265593.2); short protein forms R857S, R894S, R926S.
Identifiers: ClinVar variation 3768627 (VCV003768627.1).

ClinVar aggregate classification (germline): Uncertain significance (1 of 4 stars; one submission).

gnomAD v4.1: 5 of 1,605,188 alleles (0.00031%); highest among the groups gnomAD compares: Admixed American, 0.0084%; no homozygotes.

Submission:

Women's Health and Genetics/Laboratory Corporation of America, LabCorp
Classification: Uncertain significance. Last evaluated: 2025-02-10. Review status: criteria provided, single submitter. Criteria: LabCorp Variant Classification Summary - May 2015. Collection method: clinical testing. Allele origin: germline.
Comment: Variant summary: PLEKHG5 c.2569C>A (p.Arg857Ser) results in a non-conservative amino acid change in the encoded protein sequence. Two of three in-silico tools predict a benign effect of the variant on protein function. The variant allele was found at a frequency of 1.7e-05 in 239858 control chromosomes (gnomAD). The available data on variant occurrences in the general population are insufficient to allow any conclusion about variant significance. To our knowledge, no occurrence of c.2569C>A in individuals affected with Distal Spinal Muscular Atrophy, Autosomal Recessive 4 and no experimental evidence demonstrating its impact on protein function have been reported. No submitters have cited clinical-significance assessments for this variant to ClinVar. Based on the evidence outlined above, the variant was classified as uncertain significance.